The following is an entry in ClinVar:

NM_001846.4(COL4A2):c.1777-1G>C

Gene: COL4A2 (collagen type IV alpha 2 chain; plus strand). Cytogenetic location: 13q34.
Variant type: single nucleotide variant.
Coding change: c.1777-1G>C on transcript NM_001846.4 (MANE Select); the canonical splice acceptor site of the intron before coding-DNA position 1777, G replaced by C.
Molecular consequence: splice acceptor variant.
Genome position (GRCh38, 1-based): chr13:110,465,404, G>C. VCF-style: chr13-110465404-G-C. GRCh37 (hg19) VCF-style: chr13-111117751-G-C.
Identifiers: ClinVar variation 1316072 (VCV001316072.2), dbSNP rs2139503359, ClinGen allele CA388739167.
Genomic context (GRCh38, chr13:110,465,404, plus strand): 5'-AAGTCGAGGCGATCTTTAACATTAGTATATATTTTAAGAAATAAACTGAATTTTCACACA[G>C]GGTGATGGCATCAAGGGCCCTCCAGGGGACCCAGGCTATCCAGGAATACCTGGAACGAAG-3'

ClinVar aggregate classification (germline): Uncertain significance (1 of 4 stars; one submission).

Submission:

GeneDx
Classification: Uncertain significance. Last evaluated: 2019-12-26. Review status: criteria provided, single submitter. Criteria: GeneDx Variant Classification Process June 2021. Collection method: clinical testing. Allele origin: germline. Affected: yes.
Comment: Not observed in large population cohorts (Lek et al., 2016); Canonical splice site variant in a gene for which loss-of-function is not a known mechanism of disease; Has not been previously published as pathogenic or benign to our knowledge